The following is an entry in ClinVar:

ClinVar aggregate classification (germline): Likely benign. Review status: criteria provided, single submitter (1 of 4 stars). 2 submissions from 2 submitters: Likely benign (1). 1 of the submissions does not count toward it. Last evaluated 2025-07-03.

Conditions:
RAI1-related disorder. Also called: RAI1-related condition.

Allele frequency attached by ClinVar (database versions not stated): gnomAD exomes below 0.00001; TOPMed 0.00001.
gnomAD v4.1: 1 of 1,614,052 alleles (0.000062%); highest among the groups gnomAD compares: Admixed American, 0.0017%; no homozygotes.

Submissions (2):

Labcorp Genetics (formerly Invitae), Labcorp
Classification: Likely benign. Last evaluated: 2025-07-03. Review status: criteria provided, single submitter. Criteria: Invitae Variant Classification Sherloc (09022015). Collection method: clinical testing. Allele origin: germline.

PreventionGenetics, part of Exact Sciences
Classification: Likely benign for RAI1-related condition. Last evaluated: 2020-11-24. Review status: no assertion criteria provided. Collection method: clinical testing. Allele origin: germline. Not counted in ClinVar's aggregate classification.
Comment: This variant is classified as likely benign based on ACMG/AMP sequence variant interpretation guidelines (Richards et al. 2015 PMID: 25741868, with internal and published modifications).

NM_030665.4(RAI1):c.135G>C (p.Leu45=)

Gene: RAI1 (retinoic acid induced 1; plus strand). Cytogenetic location: 17p11.2.
Variant type: single nucleotide variant.
Coding change: c.135G>C on transcript NM_030665.4 (MANE Select); coding-DNA position 135, G replaced by C.
Protein change: p.Leu45=; no amino-acid change (leucine 45 retained).
Molecular consequence: synonymous variant.
Genome position (GRCh38, 1-based): chr17:17,793,083, G>C. VCF-style: chr17-17793083-G-C. GRCh37 (hg19) VCF-style: chr17-17696397-G-C.
Other names: c.135G>C (NM_030665.3).
Identifiers: ClinVar variation 2892749 (VCV002892749.4), dbSNP rs2032080785, ClinGen allele CA498422407.